The following is an entry in ClinVar:

NM_183357.3(ADCY5):c.2871C>T (p.Asn957=)

Gene: ADCY5 (adenylate cyclase 5; minus strand). Cytogenetic location: 3q21.1.
Variant type: single nucleotide variant.
Coding change: c.2871C>T on transcript NM_183357.3 (MANE Select); coding-DNA position 2871, C replaced by T.
Protein change: p.Asn957=; no amino-acid change (asparagine 957 retained).
Molecular consequence: synonymous variant.
Genome position (GRCh38, 1-based): chr3:123,300,149, G>A on the plus strand (C>T on the coding strand, the complement: ADCY5 is on the minus strand). VCF-style: chr3-123300149-G-A. GRCh37 (hg19) VCF-style: chr3-123018996-G-A.
Other names: c.1821C>T, p.Asn607= (NM_001199642.1); c.2871C>T, p.Asn957= (NM_001378259.1).
Identifiers: ClinVar variation 1599416 (VCV001599416.32), dbSNP rs142142140, ClinGen allele CA2576968.

ClinVar aggregate classification (germline): Benign/Likely benign. Review status: criteria provided, multiple submitters, no conflicts (2 of 4 stars). 2 submissions from 2 submitters: Benign (1); Likely benign (1). Last evaluated 2025-03-04.

Allele frequency attached by ClinVar (database versions not stated): ESP Exome Variant Server 0.00008; TOPMed 0.00008; gnomAD exomes 0.00010 and 0.00014; gnomAD 0.00011; ExAC 0.00013.
gnomAD v4.1: 177 of 1,613,790 alleles (0.011%); highest among the groups gnomAD compares: Non-Finnish European, 0.0089%; no homozygotes.

Submissions (2):

Labcorp Genetics (formerly Invitae), Labcorp
Classification: Benign. Last evaluated: 2025-03-04. Review status: criteria provided, single submitter. Criteria: Invitae Variant Classification Sherloc (09022015). Collection method: clinical testing. Allele origin: germline.

CeGaT Center for Human Genetics Tuebingen
Classification: Likely benign. Last evaluated: 2025-01-01. Review status: criteria provided, single submitter. Criteria: CeGaT Center For Human Genetics Tuebingen Variant Classification Criteria Version 2. Collection method: clinical testing. Allele origin: germline. Affected: yes. Observed: 3 variant alleles.
Comment: ADCY5: BP4, BP7